The following is an entry in ClinVar:

NM_014846.4(WASHC5):c.2255A>G (p.His752Arg)

Gene: WASHC5 (WASH complex subunit 5; minus strand). Cytogenetic location: 8q24.13.
Variant type: single nucleotide variant.
Coding change: c.2255A>G on transcript NM_014846.4 (MANE Select); coding-DNA position 2255, A replaced by G.
Protein change: p.His752Arg; replaces histidine 752 with arginine.
Molecular consequence: missense variant.
Genome position (GRCh38, 1-based): chr8:125,049,130, T>C on the plus strand (A>G on the coding strand, the complement: WASHC5 is on the minus strand). VCF-style: chr8-125049130-T-C. GRCh37 (hg19) VCF-style: chr8-126061372-T-C.
Other names: c.1811A>G, p.His604Arg (NM_001330609.2); short protein forms H604R, H752R.
Identifiers: ClinVar variation 2069713 (VCV002069713.4), dbSNP rs2537318006, ClinGen allele CA372189362.

ClinVar aggregate classification (germline): Uncertain significance (1 of 4 stars; one submission).

Conditions:
Hereditary spastic paraplegia 8 (SPG8). Also called: SPASTIC PARAPLEGIA 8, AUTOSOMAL DOMINANT. Identifiers: Orphanet 100989, MedGen C1863704, MONDO:0011339, OMIM 603563.
Ritscher-Schinzel syndrome. Also called: CRANIOCEREBELLOCARDIAC DYSPLASIA. Identifiers: Orphanet 7, MedGen C0796137, MONDO:0019078.

Allele frequency attached by ClinVar (database versions not stated): gnomAD exomes below 0.00001.
gnomAD v4.1: 3 of 1,614,126 alleles (0.00019%); highest among the groups gnomAD compares: Non-Finnish European, 0.00025%; no homozygotes.

Submission:

Labcorp Genetics (formerly Invitae), Labcorp
Classification: Uncertain significance for Ritscher-Schinzel syndrome; Hereditary spastic paraplegia 8. Last evaluated: 2025-08-05. Review status: criteria provided, single submitter. Criteria: Invitae Variant Classification Sherloc (09022015). Collection method: clinical testing. Allele origin: germline.
Comment: This sequence change replaces histidine, which is basic and polar, with arginine, which is basic and polar, at codon 752 of the WASHC5 protein (p.His752Arg). This variant is not present in population databases (gnomAD no frequency). This variant has not been reported in the literature in individuals affected with WASHC5-related conditions. ClinVar contains an entry for this variant (Variation ID: 2069713). Invitae Evidence Modeling of protein sequence and biophysical properties (such as structural, functional, and spatial information, amino acid conservation, physicochemical variation, residue mobility, and thermodynamic stability) indicates that this missense variant is not expected to disrupt WASHC5 protein function with a negative predictive value of 80%. In summary, the available evidence is currently insufficient to determine the role of this variant in disease. Therefore, it has been classified as a Variant of Uncertain Significance.